The following is an entry in ClinVar:

ClinVar aggregate classification (germline): Pathogenic (1 of 4 stars; one submission).

Conditions:
Nemaline myopathy 2 (NEM2). Also called: Nemaline myopathy 2, autosomal recessive. Identifiers: MedGen C1850569, MONDO:0009725, OMIM 256030.

Submission:

Myriad Genetics, Inc.
Classification: Pathogenic for Nemaline myopathy 2. Last evaluated: 2024-05-03. Review status: criteria provided, single submitter. Criteria: Myriad Autosomal Dominant, Autosomal Recessive and X-Linked Classification Criteria (2023). Collection method: clinical testing. Allele origin: unknown.
Comment: NM_001271208.1(NEB):c.22280dupA(K7428Efs*32) is expected to be pathogenic in the context of NEB-related nemaline myopathy. This variant is predicted to lead to an abnormal or absent protein product due to the creation of a premature termination codon in NEB, a gene where loss-of-function variants are known to be pathogenic. Please note: this variant was assessed in the context of healthy population screening.

NM_001164508.2(NEB):c.22175dup (p.Lys7393fs)

Genes: NEB (nebulin; minus strand), RIF1 (replication timing regulatory factor 1; plus strand). Cytogenetic location: 2q23.3.
Variant type: Duplication.
Coding change: c.22175dup on transcript NM_001164508.2 (MANE Select); coding-DNA position 22175, one base duplicated (A; older notation c.22175dupA).
Protein change: p.Lys7393fs; shifts the reading frame from lysine 7393.
Molecular consequence: frameshift variant.
Genome position (GRCh38, 1-based): chr2:151,525,260, T duplicated on the plus strand (A on the coding strand, the reverse complement: NEB is on the minus strand); the first of 5 consecutive T bases (chr2:151,525,260-151,525,264); duplicating any one gives the same sequence. VCF-style (leftmost placement, unchanged base first): chr2-151525259-C-CT. GRCh37 (hg19) VCF-style: chr2-152381773-C-CT.
Other names: c.22175dup, p.Lys7393fs (NM_001164507.2); c.22280dup, p.Lys7428fs (NM_001271208.2); c.17072dup, p.Lys5692fs (NM_004543.5); short protein forms K5692fs, K7393fs, K7428fs.
Identifiers: ClinVar variation 5012993 (VCV005012993.1).